The following is an entry in ClinVar:

ClinVar aggregate classification (germline): Uncertain significance (1 of 4 stars; one submission).

Conditions:
Dilated cardiomyopathy 1W (CMD1W). Identifiers: Orphanet 154, MedGen C1969639, MONDO:0012667, OMIM 611407.

gnomAD v4.1: 1 of 1,613,972 alleles (0.000062%); highest among the groups gnomAD compares: Non-Finnish European, 0.000085%; no homozygotes.

Submission:

Labcorp Genetics (formerly Invitae), Labcorp
Classification: Uncertain significance for Dilated cardiomyopathy 1W. Last evaluated: 2024-03-28. Review status: criteria provided, single submitter. Criteria: Invitae Variant Classification Sherloc (09022015). Collection method: clinical testing. Allele origin: germline.
Comment: This sequence change replaces alanine, which is neutral and non-polar, with threonine, which is neutral and polar, at codon 208 of the VCL protein (p.Ala208Thr). This variant also falls at the last nucleotide of exon 5, which is part of the consensus splice site for this exon. This variant is not present in population databases (gnomAD no frequency). This variant has not been reported in the literature in individuals affected with VCL-related conditions. An algorithm developed to predict the effect of missense changes on protein structure and function (PolyPhen-2) suggests that this variant is likely to be disruptive. Variants that disrupt the consensus splice site are a relatively common cause of aberrant splicing (PMID: 17576681, 9536098). Algorithms developed to predict the effect of sequence changes on RNA splicing suggest that this variant may disrupt the consensus splice site. In summary, the available evidence is currently insufficient to determine the role of this variant in disease. Therefore, it has been classified as a Variant of Uncertain Significance.

Literature cited by the submitters: PubMed 17576681; PubMed 9536098.

NM_014000.3(VCL):c.622G>A (p.Ala208Thr)

Gene: VCL (vinculin; plus strand). Cytogenetic location: 10q22.2.
Variant type: single nucleotide variant.
Coding change: c.622G>A on transcript NM_014000.3 (MANE Select); coding-DNA position 622, G replaced by A.
Protein change: p.Ala208Thr; replaces alanine 208 with threonine.
Molecular consequence: missense variant.
Genome position (GRCh38, 1-based): chr10:74,072,852, G>A. VCF-style: chr10-74072852-G-A. GRCh37 (hg19) VCF-style: chr10-75832610-G-A.
Other names: c.622G>A, p.Ala208Thr (NM_003373.4); short protein forms A208T.
Identifiers: ClinVar variation 3648009 (VCV003648009.2).